The following is an entry in ClinVar:

NM_002890.3(RASA1):c.2913A>G (p.Leu971=)

Genes: CCNH (cyclin H; minus strand), RASA1 (RAS p21 protein activator 1; plus strand). Cytogenetic location: 5q14.3.
Variant type: single nucleotide variant.
Coding change: c.2913A>G on transcript NM_002890.3 (MANE Select); coding-DNA position 2913, A replaced by G.
Protein change: p.Leu971=; no amino-acid change (leucine 971 retained).
Molecular consequence: synonymous variant. On other transcripts: intron variant (1).
Genome position (GRCh38, 1-based): chr5:87,386,891, A>G. VCF-style: chr5-87386891-A-G. GRCh37 (hg19) VCF-style: chr5-86682708-A-G.
Other names: p.Leu971=; c.2382A>G, p.Leu794= (NM_022650.3); c.933+8153T>C (NM_001364075.2).
Identifiers: ClinVar variation 1582136 (VCV001582136.10), dbSNP rs997491956, ClinGen allele CA121819221.

ClinVar aggregate classification (germline): Likely benign. Review status: criteria provided, multiple submitters, no conflicts (2 of 4 stars). 3 submissions from 3 submitters: Likely benign (3). Last evaluated 2025-10-12.

Conditions:
Cardiovascular phenotype. Identifiers: MedGen CN230736.
Capillary malformation-arteriovenous malformation syndrome. Also called: Capillary malformation-arteriovenous malformation. Identifiers: Orphanet 137667, MedGen C1842180, MONDO:0012016.

Allele frequency attached by ClinVar (database versions not stated): TOPMed 0.00002; gnomAD exomes 0.00002; gnomAD 0.00001.
gnomAD v4.1: 12 of 1,611,686 alleles (0.00074%); highest among the groups gnomAD compares: Non-Finnish European, 0.001%; no homozygotes.

Submissions (3):

Mayo Clinic Laboratories, Mayo Clinic
Classification: Likely benign. Last evaluated: 2025-10-12. Review status: criteria provided, single submitter. Criteria: ACMG Guidelines, 2015. Collection method: clinical testing. Allele origin: germline. Observed: 1 variant allele.
Comment: BP4, BP7, PM2_supporting

Labcorp Genetics (formerly Invitae), Labcorp
Classification: Likely benign for Capillary malformation-arteriovenous malformation syndrome. Last evaluated: 2025-04-17. Review status: criteria provided, single submitter. Criteria: Invitae Variant Classification Sherloc (09022015). Collection method: clinical testing. Allele origin: germline.

Ambry Genetics
Classification: Likely benign for Cardiovascular phenotype. Last evaluated: 2019-06-17. Review status: criteria provided, single submitter. Criteria: Ambry Variant Classification Scheme 2023. Collection method: clinical testing. Allele origin: germline.